The following is an entry in ClinVar:

ClinVar aggregate classification (germline): Uncertain significance. Review status: criteria provided, multiple submitters, no conflicts (2 of 4 stars). 2 submissions from 2 submitters: Uncertain significance (2). Last evaluated 2026-01-07.

Conditions:
Fraser syndrome 2 (FRASRS2). Identifiers: MedGen C4540036, MONDO:0054738, OMIM 617666.
Isolated cryptophthalmia. Also called: Cryptophthalmos, unilateral or bilateral, isolated; ANKYLOBLEPHARON, SIMPLE. Identifiers: Orphanet 91396, MedGen C1852453, MONDO:0007410, OMIM 123570.

Allele frequency attached by ClinVar (database versions not stated): gnomAD 0.00001; gnomAD exomes 0.00001 and 0.00002; TOPMed 0.00001; ExAC 0.00002.
gnomAD v4.1: 16 of 1,613,870 alleles (0.00099%); highest among the groups gnomAD compares: Non-Finnish European, 0.00034%; no homozygotes.

Submissions (2):

Labcorp Genetics (formerly Invitae), Labcorp
Classification: Uncertain significance. Last evaluated: 2026-01-07. Review status: criteria provided, single submitter. Criteria: Invitae Variant Classification Sherloc (09022015). Collection method: clinical testing. Allele origin: germline.
Comment: This sequence change replaces lysine, which is basic and polar, with asparagine, which is neutral and polar, at codon 2284 of the FREM2 protein (p.Lys2284Asn). This variant is present in population databases (rs772357847, gnomAD 0.05%). This variant has not been reported in the literature in individuals affected with FREM2-related conditions. ClinVar contains an entry for this variant (Variation ID: 1465804). Invitae Evidence Modeling of protein sequence and biophysical properties (such as structural, functional, and spatial information, amino acid conservation, physicochemical variation, residue mobility, and thermodynamic stability) indicates that this missense variant is expected to disrupt FREM2 protein function with a positive predictive value of 80%. In summary, the available evidence is currently insufficient to determine the role of this variant in disease. Therefore, it has been classified as a Variant of Uncertain Significance.

Fulgent Genetics
Classification: Uncertain significance for Isolated cryptophthalmia; Fraser syndrome 2. Last evaluated: 2022-04-14. Review status: criteria provided, single submitter. Criteria: ACMG Guidelines, 2015. Collection method: clinical testing. Allele origin: unknown.

NM_207361.6(FREM2):c.6852G>T (p.Lys2284Asn)

Gene: FREM2 (FRAS1 related extracellular matrix 2; plus strand). Cytogenetic location: 13q13.3.
Variant type: single nucleotide variant.
Coding change: c.6852G>T on transcript NM_207361.6 (MANE Select); coding-DNA position 6852, G replaced by T.
Protein change: p.Lys2284Asn; replaces lysine 2284 with asparagine.
Molecular consequence: missense variant.
Genome position (GRCh38, 1-based): chr13:38,851,795, G>T. VCF-style: chr13-38851795-G-T. GRCh37 (hg19) VCF-style: chr13-39425932-G-T.
Other names: short protein forms K2284N.
Identifiers: ClinVar variation 1465804 (VCV001465804.7), dbSNP rs772357847, ClinGen allele CA6955692.
Genomic context (GRCh38, chr13:38,851,795, plus strand): 5'-AGAACCTGGAGAGTCGGTGGTTATAAGAATTCCAGTGATTCGCCAAGGAGACACTTCAAA[G>T]GTTTCCATTGTGAGAGTCCACACCAAGGATGGCTCGGCCACCTCTGGAGAAGACTACCAC-3'
Protein context (NP_997244.4, residues 2274-2294): IPVIRQGDTS[Lys2284Asn]VSIVRVHTKD